The following is an entry in ClinVar:

ClinVar aggregate classification (germline): Pathogenic. Review status: criteria provided, multiple submitters, no conflicts (2 of 4 stars). 2 submissions from 2 submitters: Pathogenic (2). Last evaluated 2026-04-13.

Conditions:
Ehlers-Danlos syndrome, type 4 (EDSVASC). Also called: Ehlers-Danlos syndrome vascular type; Ehlers Danlos syndrome, ecchymotic type; Ehlers Danlos syndrome, arterial type; Ehlers Danlos syndrome, Sack-Barabas type; Ehlers-Danlos Syndrome Type IV. Identifiers: Orphanet 286, MedGen C0268338, MONDO:0017314, OMIM 130050.
Familial aortopathy. Identifiers: MedGen CN078214.

Submissions (2):

Women's Health and Genetics/Laboratory Corporation of America, LabCorp
Classification: Pathogenic for Familial aortopathy. Last evaluated: 2026-04-13. Review status: criteria provided, single submitter. Criteria: LabCorp Variant Classification Summary - May 2015. Collection method: clinical testing. Allele origin: germline.
Comment: Variant summary: COL3A1 c.2812C>T (p.Gln938X) results in a premature termination codon, predicted to cause a truncation of the encoded protein or absence of the protein due to nonsense mediated decay, which are commonly known mechanisms for disease. Loss-of-function variants in this gene are known to be pathogenic. The variant was absent in 250200 control chromosomes. To our knowledge, no occurrence of c.2812C>T in individuals affected with COL3A1-related conditions and no experimental evidence demonstrating its impact on protein function have been reported. ClinVar contains an entry for this variant (Variation ID: 4713755). Based on the evidence outlined above, the variant was classified as pathogenic.

Labcorp Genetics (formerly Invitae), Labcorp
Classification: Pathogenic for Ehlers-Danlos syndrome, type 4. Last evaluated: 2025-02-24. Review status: criteria provided, single submitter. Criteria: Invitae Variant Classification Sherloc (09022015). Collection method: clinical testing. Allele origin: germline.
Comment: This sequence change creates a premature translational stop signal (p.Gln938*) in the COL3A1 gene. It is expected to result in an absent or disrupted protein product. Loss-of-function variants in COL3A1 are known to be pathogenic (PMID: 24922459). This variant is not present in population databases (gnomAD no frequency). This variant has not been reported in the literature in individuals affected with COL3A1-related conditions. For these reasons, this variant has been classified as Pathogenic.

Literature cited by the submitters: PubMed 24922459 (cited by Labcorp Genetics (formerly Invitae), Labcorp).

NM_000090.4(COL3A1):c.2812C>T (p.Gln938Ter)

Gene: COL3A1 (collagen type III alpha 1 chain; plus strand). Cytogenetic location: 2q32.2.
Variant type: single nucleotide variant.
Coding change: c.2812C>T on transcript NM_000090.4 (MANE Select); coding-DNA position 2812, C replaced by T.
Protein change: p.Gln938Ter; replaces glutamine 938 with a stop codon.
Molecular consequence: nonsense.
Genome position (GRCh38, 1-based): chr2:189,004,132, C>T. VCF-style: chr2-189004132-C-T. GRCh37 (hg19) VCF-style: chr2-189868858-C-T.
Other names: short protein forms Q938*.
Identifiers: ClinVar variation 4713755 (VCV004713755.2).